The following is an entry in ClinVar:

NM_000059.4(BRCA2):c.10221T>C (p.Asn3407=)

Gene: BRCA2 (BRCA2 DNA repair associated; plus strand). Cytogenetic location: 13q13.1.
Variant type: single nucleotide variant.
Coding change: c.10221T>C on transcript NM_000059.4 (MANE Select); coding-DNA position 10221, T replaced by C.
Protein change: p.Asn3407=; no amino-acid change (asparagine 3407 retained).
Molecular consequence: synonymous variant.
Genome position (GRCh38, 1-based): chr13:32,398,734, T>C. VCF-style: chr13-32398734-T-C. GRCh37 (hg19) VCF-style: chr13-32972871-T-C.
Identifiers: ClinVar variation 187059 (VCV000187059.33), dbSNP rs786203441, ClinGen allele CA010492.

ClinVar aggregate classification (germline): Likely benign. Review status: reviewed by expert panel (3 of 4 stars). 14 submissions from 14 submitters: Likely benign (1). 13 of the submissions do not count toward it. Last evaluated 2017-06-29.

Conditions:
BRCA2-related cancer predisposition. Identifiers: MedGen CN377758, MONDO:0700269.
BRCA2-related disorder. Also called: BRCA2-related condition; BRCA2-related disorders. Identifiers: MedGen CN239275.
Hereditary cancer-predisposing syndrome. Also called: Neoplastic Syndromes, Hereditary; Tumor predisposition; Hereditary neoplastic syndrome; Hereditary Cancer Syndrome. Identifiers: Orphanet 140162, MedGen C0027672, MeSH D009386, MONDO:0015356.
Hereditary breast ovarian cancer syndrome. Also called: Hereditary breast and/or ovarian cancer syndrome; Hereditary breast and ovarian cancer syndrome; Hereditary breast and ovarian cancer; Hereditary breast and ovarian cancer syndrome (HBOC); Breast and ovarian cancer; BRCA1- and BRCA2-Associated Hereditary Breast and Ovarian Cancer. Identifiers: Orphanet 145, MedGen C0677776, MeSH D061325, MONDO:0003582. Disease mechanism: loss of function.
Breast-ovarian cancer, familial, susceptibility to, 2 (BROVCA2). Also called: BRCA2 Hereditary Breast and Ovarian Cancer. Identifiers: Orphanet 145, MedGen C2675520, MONDO:0012933, OMIM 612555. Disease mechanism: loss of function.

Allele frequency attached by ClinVar (database versions not stated): gnomAD below 0.00001 and 0.00001; TOPMed 0.00001; gnomAD exomes 0.00003 and 0.00006; ExAC 0.00009.
gnomAD v4.1: 42 of 1,613,764 alleles (0.0026%); highest among the groups gnomAD compares: South Asian, 0.044%; no homozygotes.

Submissions (14):

Evidence-based Network for the Interpretation of Germline Mutant Alleles (ENIGMA)
Classification: Likely benign for Breast-ovarian cancer, familial, susceptibility to, 2. Last evaluated: 2017-06-29. Review status: reviewed by expert panel. Criteria: ENIGMA BRCA1/2 Classification Criteria (2017-06-29). Collection method: curation. Allele origin: germline.
Comment: Synonymous substitution variant, with low bioinformatic likelihood to result in a splicing aberration (Splicing prior probability 0.02).

Labcorp Genetics (formerly Invitae), Labcorp
Classification: Likely benign for Hereditary breast ovarian cancer syndrome. Last evaluated: 2026-02-02. Review status: criteria provided, single submitter. Criteria: Invitae Variant Classification Sherloc (09022015). Collection method: clinical testing. Allele origin: germline. Not counted in ClinVar's aggregate classification.

PreventionGenetics, part of Exact Sciences
Classification: Likely benign for BRCA2-related condition. Last evaluated: 2025-12-17. Review status: criteria provided, single submitter. Criteria: ACMG Guidelines, 2015. Collection method: clinical testing. Allele origin: germline. Not counted in ClinVar's aggregate classification.
Comment: This variant is classified as likely benign based on ACMG/AMP sequence variant interpretation guidelines (Richards et al. 2015 PMID: 25741868, with internal and published modifications).

Quest Diagnostics Nichols Institute San Juan Capistrano
Classification: Benign. Last evaluated: 2025-10-23. Review status: criteria provided, single submitter. Criteria: Quest Diagnostics criteria. Collection method: clinical testing. Allele origin: unknown. Not counted in ClinVar's aggregate classification.

All of Us Research Program, National Institutes of Health
Classification: Likely benign for BRCA2-related cancer predisposition. Last evaluated: 2024-09-23. Review status: criteria provided, single submitter. Criteria: ACMG Guidelines, 2015. Collection method: clinical testing. Allele origin: germline. Inheritance: Autosomal dominant inheritance. Observed: 1 variant allele, 1 heterozygote. Not counted in ClinVar's aggregate classification.
Comment: This study involves interpretation of variants in research participants for the purpose of population health screening. Participant phenotype was not available at the time of variant classification. Additional details can be found in publication PMID: 35346344, PMCID: PMC8962531

ARUP Laboratories, Molecular Genetics and Genomics, ARUP Laboratories
Classification: Likely benign. Last evaluated: 2024-08-16. Review status: criteria provided, single submitter. Criteria: ARUP Molecular Germline Variant Investigation Process 2024. Collection method: clinical testing. Allele origin: germline. Not counted in ClinVar's aggregate classification.

Department of Pathology and Laboratory Medicine, Sinai Health System
Classification: Likely benign for BRCA2-related cancer predisposition. Last evaluated: 2023-06-19. Review status: criteria provided, single submitter. Criteria: ACMG Guidelines, 2015. Collection method: clinical testing. Allele origin: germline. Not counted in ClinVar's aggregate classification.

Sema4
Classification: Likely benign for Hereditary cancer-predisposing syndrome. Last evaluated: 2022-02-15. Review status: criteria provided, single submitter. Criteria: Sema4 Curation Guidelines. Collection method: curation. Allele origin: germline. Not counted in ClinVar's aggregate classification.

Women's Health and Genetics/Laboratory Corporation of America, LabCorp
Classification: Likely benign. Last evaluated: 2021-12-30. Review status: criteria provided, single submitter. Criteria: LabCorp Variant Classification Summary - May 2015. Collection method: clinical testing. Allele origin: germline. Not counted in ClinVar's aggregate classification.

Blueprint Genetics
Classification: Likely benign. Last evaluated: 2021-11-22. Review status: criteria provided, single submitter. Criteria: ACMG Guidelines, 2015. Collection method: clinical testing. Allele origin: germline. Not counted in ClinVar's aggregate classification.

GeneDx
Classification: Likely benign. Last evaluated: 2020-03-23. Review status: criteria provided, single submitter. Criteria: GeneDx Variant Classification Process June 2021. Collection method: clinical testing. Allele origin: germline. Affected: yes. Not counted in ClinVar's aggregate classification.

Color Diagnostics, LLC DBA Color Health
Classification: Likely benign for Hereditary cancer-predisposing syndrome. Last evaluated: 2018-08-14. Review status: criteria provided, single submitter. Criteria: ACMG Guidelines, 2015. Collection method: clinical testing. Allele origin: germline. Not counted in ClinVar's aggregate classification.

Ambry Genetics
Classification: Likely benign for Hereditary cancer-predisposing syndrome. Last evaluated: 2014-11-17. Review status: criteria provided, single submitter. Criteria: Ambry Variant Classification Scheme 2023. Collection method: clinical testing. Allele origin: germline. Not counted in ClinVar's aggregate classification.

Counsyl
Classification: Likely benign for Breast-ovarian cancer, familial, susceptibility to, 2. Last evaluated: 2016-03-22. Review status: no assertion criteria provided. Collection method: clinical testing. Allele origin: unknown. Not counted in ClinVar's aggregate classification.